The following is an entry in ClinVar:

ClinVar aggregate classification (germline): Benign/Likely benign. Review status: criteria provided, multiple submitters, no conflicts (2 of 4 stars). 2 submissions from 2 submitters: Benign (1); Likely benign (1). Last evaluated 2026-01-25.

Conditions:
Methylmalonic acidemia due to methylmalonyl-CoA epimerase deficiency. Also called: Methylmalonyl-CoA Epimerase Deficiency; METHYLMALONIC ACIDURIA III; METHYLMALONYL-CoA RACEMASE DEFICIENCY. Identifiers: Orphanet 308425, MedGen C1855100, MONDO:0009615, OMIM 251120.

Allele frequency attached by ClinVar (database versions not stated): gnomAD 0.00001 and 0.00047; TOPMed 0.00005; gnomAD exomes 0.00082 and 0.00166; ExAC 0.00194; 1000 Genomes Project 30x 0.00375; 1000 Genomes Project 0.00399.
gnomAD v4.1: 1,259 of 1,614,086 alleles (0.078%); highest among the groups gnomAD compares: South Asian, 1.3%; 14 homozygotes.

Submissions (2):

Labcorp Genetics (formerly Invitae), Labcorp
Classification: Benign for Methylmalonic acidemia due to methylmalonyl-CoA epimerase deficiency. Last evaluated: 2026-01-25. Review status: criteria provided, single submitter. Criteria: Invitae Variant Classification Sherloc (09022015). Collection method: clinical testing. Allele origin: germline.

Illumina Laboratory Services, Illumina
Classification: Likely benign for Methylmalonic acidemia due to methylmalonyl-CoA epimerase deficiency. Last evaluated: 2018-01-13. Review status: criteria provided, single submitter. Criteria: ICSL Variant Classification Criteria 13 December 2019. Collection method: clinical testing. Allele origin: germline.
Comment: This variant was observed in the ICSL laboratory as part of a predisposition screen in an ostensibly healthy population. It had not been previously curated by ICSL or reported in the Human Gene Mutation Database (HGMD: prior to June 1st, 2018), and was therefore a candidate for classification through an automated scoring system. Utilizing variant allele frequency, disease prevalence and penetrance estimates, and inheritance mode, an automated score was calculated to assess if this variant is too frequent to cause the disease. Based on the score and internal cut-off values, a variant classified as likely benign is not then subjected to further curation. The score for this variant resulted in a classification of likely benign for this disease.

NM_032601.4(MCEE):c.120T>C (p.Gly40=)

Gene: MCEE (methylmalonyl-CoA epimerase; minus strand). Cytogenetic location: 2p13.3.
Variant type: single nucleotide variant.
Coding change: c.120T>C on transcript NM_032601.4 (MANE Select); coding-DNA position 120, T replaced by C.
Protein change: p.Gly40=; no amino-acid change (glycine 40 retained).
Molecular consequence: synonymous variant.
Genome position (GRCh38, 1-based): chr2:71,124,464, A>G on the plus strand (T>C on the coding strand, the complement: MCEE is on the minus strand). VCF-style: chr2-71124464-A-G. GRCh37 (hg19) VCF-style: chr2-71351594-A-G.
Identifiers: ClinVar variation 729893 (VCV000729893.13), dbSNP rs373053776, ClinGen allele CA1702641.